The following is an entry in ClinVar:

ClinVar aggregate classification (germline): Uncertain significance (1 of 4 stars; one submission).

Conditions:
Combined oxidative phosphorylation defect type 17. Also called: Combined oxidative phosphorylation deficiency 17. Identifiers: Orphanet 369913, MedGen C3809526, MONDO:0014190, OMIM 615440.

gnomAD v4.1: 8 of 1,600,886 alleles (0.0005%); highest among the groups gnomAD compares: African/African-American, 0.011%; no homozygotes.

Submission:

Labcorp Genetics (formerly Invitae), Labcorp
Classification: Uncertain significance for Combined oxidative phosphorylation defect type 17. Last evaluated: 2022-04-11. Review status: criteria provided, single submitter. Criteria: Invitae Variant Classification Sherloc (09022015). Collection method: clinical testing. Allele origin: germline.
Comment: This sequence change replaces lysine, which is basic and polar, with threonine, which is neutral and polar, at codon 45 of the ELAC2 protein (p.Lys45Thr). This variant is not present in population databases (gnomAD no frequency). This variant has not been reported in the literature in individuals affected with ELAC2-related conditions. Algorithms developed to predict the effect of missense changes on protein structure and function (SIFT, PolyPhen-2, Align-GVGD) all suggest that this variant is likely to be tolerated. In summary, the available evidence is currently insufficient to determine the role of this variant in disease. Therefore, it has been classified as a Variant of Uncertain Significance.

NM_018127.7(ELAC2):c.134A>C (p.Lys45Thr)

Gene: ELAC2 (elaC ribonuclease Z 2; minus strand). Cytogenetic location: 17p12.
Variant type: single nucleotide variant.
Coding change: c.134A>C on transcript NM_018127.7 (MANE Select); coding-DNA position 134, A replaced by C.
Protein change: p.Lys45Thr; replaces lysine 45 with threonine.
Molecular consequence: missense variant.
Genome position (GRCh38, 1-based): chr17:13,017,814, T>G on the plus strand (A>C on the coding strand, the complement: ELAC2 is on the minus strand). VCF-style: chr17-13017814-T-G. GRCh37 (hg19) VCF-style: chr17-12921131-T-G.
Other names: c.134A>C, p.Lys45Thr (NM_001165962.2, NM_173717.2); short protein forms K45T.
Identifiers: ClinVar variation 1504373 (VCV001504373.3), dbSNP rs745328310, ClinGen allele CA288067360.